The following is an entry in ClinVar:

ClinVar aggregate classification (germline): Uncertain significance (1 of 4 stars; one submission).

Conditions:
Microcephaly-intellectual disability-sensorineural hearing loss-epilepsy-abnormal muscle tone syndrome (NEDHSB). Also called: NEURODEVELOPMENTAL DISORDER WITH HEARING LOSS, SEIZURES, AND BRAIN ABNORMALITIES. Identifiers: Orphanet 457351, MedGen C4225276, MONDO:0014698, OMIM 616577.

gnomAD v4.1: 2 of 1,611,894 alleles (0.00012%); highest among the groups gnomAD compares: Non-Finnish European, 0.00017%; no homozygotes.

Submission:

Labcorp Genetics (formerly Invitae), Labcorp
Classification: Uncertain significance for Microcephaly-intellectual disability-sensorineural hearing loss-epilepsy-abnormal muscle tone syndrome. Last evaluated: 2023-08-31. Review status: criteria provided, single submitter. Criteria: Invitae Variant Classification Sherloc (09022015). Collection method: clinical testing. Allele origin: germline.
Comment: In summary, the available evidence is currently insufficient to determine the role of this variant in disease. Therefore, it has been classified as a Variant of Uncertain Significance. Advanced modeling of protein sequence and biophysical properties (such as structural, functional, and spatial information, amino acid conservation, physicochemical variation, residue mobility, and thermodynamic stability) performed at Invitae indicates that this missense variant is not expected to disrupt SPATA5 protein function. This variant has not been reported in the literature in individuals affected with SPATA5-related conditions. This variant is present in population databases (no rsID available, gnomAD 0.0009%). This sequence change replaces asparagine, which is neutral and polar, with serine, which is neutral and polar, at codon 65 of the SPATA5 protein (p.Asn65Ser).

NM_145207.3(AFG2A):c.194A>G (p.Asn65Ser)

Gene: AFG2A (AAA ATPase AFG2A; plus strand). Cytogenetic location: 4q28.1.
Variant type: single nucleotide variant.
Coding change: c.194A>G on transcript NM_145207.3 (MANE Select); coding-DNA position 194, A replaced by G.
Protein change: p.Asn65Ser; replaces asparagine 65 with serine.
Molecular consequence: missense variant.
Genome position (GRCh38, 1-based): chr4:122,927,664, A>G. VCF-style: chr4-122927664-A-G. GRCh37 (hg19) VCF-style: chr4-123848819-A-G.
Other names: c.191A>G, p.Asn64Ser (NM_001317799.2, NM_001345856.2); short protein forms N64S, N65S.
Identifiers: ClinVar variation 3752743 (VCV003752743.2).